The following is an entry in ClinVar:

ClinVar aggregate classification (germline): Uncertain significance (1 of 4 stars; one submission).

Conditions:
PLXNA2-related disorder. Also called: PLXNA2-related condition.

Submission:

PreventionGenetics, part of Exact Sciences
Classification: Uncertain significance for PLXNA2-related condition. Last evaluated: 2026-09-01. Review status: criteria provided, single submitter. Criteria: ACMG Guidelines, 2015. Collection method: clinical testing. Allele origin: germline.
Comment: The PLXNA2 c.3854T>A variant is predicted to result in the amino acid substitution p.Val1285Glu. To our knowledge, this variant has not been reported in the literature or in a large population database (gnomAD), indicating this variant is rare. At this time, the clinical significance of this variant is uncertain due to the absence of conclusive functional and genetic evidence.

NM_025179.4(PLXNA2):c.3854T>A (p.Val1285Glu)

Gene: PLXNA2 (plexin A2; minus strand). Cytogenetic location: 1q32.2.
Variant type: single nucleotide variant.
Coding change: c.3854T>A on transcript NM_025179.4 (MANE Select); coding-DNA position 3854, T replaced by A.
Protein change: p.Val1285Glu; replaces valine 1285 with glutamic acid.
Molecular consequence: missense variant.
Genome position (GRCh38, 1-based): chr1:208,044,528, A>T on the plus strand (T>A on the coding strand, the complement: PLXNA2 is on the minus strand). VCF-style: chr1-208044528-A-T. GRCh37 (hg19) VCF-style: chr1-208217873-A-T.
Other names: short protein forms V1285E.
Identifiers: ClinVar variation 4994297 (VCV004994297.1).
Genomic context (GRCh38, chr1:208,044,528, plus strand): 5'-GAAAGAGGGACCCAGCAAATGAGGGTGTGCTTCCACTAACCTTCCTTGCACTCCAAGGCC[A>T]CACGGGACTCCAGATTGTCCATCTGCATTTGCAGCCGCTTGAGAGTGAGGTCATTTTCTC-3'
Protein context (NP_079455.3, residues 1275-1295): QMQMDNLESR[Val1285Glu]ALECKEAFAE